The following is an entry in ClinVar:

NM_001127198.5(TMC6):c.1252C>T (p.Arg418Trp)

Gene: TMC6 (transmembrane channel like 6; minus strand). Cytogenetic location: 17q25.3.
Variant type: single nucleotide variant.
Coding change: c.1252C>T on transcript NM_001127198.5 (MANE Select); coding-DNA position 1252, C replaced by T.
Protein change: p.Arg418Trp; replaces arginine 418 with tryptophan.
Molecular consequence: missense variant. On other transcripts: non-coding transcript variant (4).
Genome position (GRCh38, 1-based): chr17:78,121,687, G>A on the plus strand (C>T on the coding strand, the complement: TMC6 is on the minus strand). VCF-style: chr17-78121687-G-A. GRCh37 (hg19) VCF-style: chr17-76117768-G-A.
Other names: c.1252C>T, p.Arg418Trp (NM_001321185.1, NM_001374593.1, NM_001374594.1 and 4 more transcripts); short protein forms R418W.
Identifiers: ClinVar variation 1483798 (VCV001483798.8), dbSNP rs567045355, ClinGen allele CA8795800.

ClinVar aggregate classification (germline): Uncertain significance (1 of 4 stars; one submission).

Conditions:
Epidermodysplasia verruciformis. Identifiers: Orphanet 302, MedGen C0014522, MONDO:0009176.

Allele frequency attached by ClinVar (database versions not stated): gnomAD 0.00001 and 0.00003; gnomAD exomes 0.00001 and 0.00002; ExAC 0.00002; TOPMed 0.00002; 1000 Genomes Project 0.00060; 1000 Genomes Project 30x 0.00062.
gnomAD v4.1: 18 of 1,587,848 alleles (0.0011%); highest among the groups gnomAD compares: East Asian, 0.014%; no homozygotes.

Submission:

Labcorp Genetics (formerly Invitae), Labcorp
Classification: Uncertain significance for Epidermodysplasia verruciformis. Last evaluated: 2022-07-06. Review status: criteria provided, single submitter. Criteria: Invitae Variant Classification Sherloc (09022015). Collection method: clinical testing. Allele origin: germline.
Comment: In summary, the available evidence is currently insufficient to determine the role of this variant in disease. Therefore, it has been classified as a Variant of Uncertain Significance. Algorithms developed to predict the effect of missense changes on protein structure and function output the following: SIFT: "Not Available"; PolyPhen-2: "Benign"; Align-GVGD: "Not Available". The tryptophan amino acid residue is found in multiple mammalian species, which suggests that this missense change does not adversely affect protein function. ClinVar contains an entry for this variant (Variation ID: 1483798). This variant has not been reported in the literature in individuals affected with TMC6-related conditions. The frequency data for this variant in the population databases is considered unreliable, as metrics indicate poor data quality at this position in the gnomAD database. This sequence change replaces arginine, which is basic and polar, with tryptophan, which is neutral and slightly polar, at codon 418 of the TMC6 protein (p.Arg418Trp).